The following is an entry in ClinVar:

NM_177438.3(DICER1):c.4306G>T (p.Ala1436Ser)

Gene: DICER1 (dicer 1, ribonuclease III; minus strand). Cytogenetic location: 14q32.13.
Variant type: single nucleotide variant.
Coding change: c.4306G>T on transcript NM_177438.3 (MANE Select); coding-DNA position 4306, G replaced by T.
Protein change: p.Ala1436Ser; replaces alanine 1436 with serine.
Molecular consequence: missense variant. On other transcripts: non-coding transcript variant (6).
Genome position (GRCh38, 1-based): chr14:95,096,614, C>A on the plus strand (G>T on the coding strand, the complement: DICER1 is on the minus strand). VCF-style: chr14-95096614-C-A. GRCh37 (hg19) VCF-style: chr14-95562951-C-A.
Other names: c.4306G>T, p.Ala1436Ser (NM_001195573.1, NM_001271282.3, NM_001291628.2 and 13 more transcripts); c.4024G>T, p.Ala1342Ser (NM_001395686.1); c.3901G>T, p.Ala1301Ser (NM_001395687.1, NM_001395688.1, NM_001395689.1 and 2 more transcripts); c.3739G>T, p.Ala1247Ser (NM_001395691.1); c.2623G>T, p.Ala875Ser (NM_001395697.1); short protein forms A1342S, A1436S, A1247S, A875S, A1301S.
Identifiers: ClinVar variation 1739587 (VCV001739587.2), dbSNP rs1360320875, ClinGen allele CA390869429.
Genomic context (GRCh38, chr14:95,096,614, plus strand): 5'-TATTATCTATAAATCTGATATGTTCCTGATCATACTCCAGGAAATCATCTTCATAGTCAG[C>A]CTCTTCCTTCGGAGCCCTCCACATCAGGCTCTCCTCCTCCTCATCCTCCTCCTCGTAATC-3'
Protein context (NP_803187.1, residues 1426-1446): SLMWRAPKEE[Ala1436Ser]DYEDDFLEYD

ClinVar aggregate classification (germline): Uncertain significance (1 of 4 stars; one submission).

Conditions:
Hereditary cancer-predisposing syndrome. Also called: Hereditary Cancer Syndrome; Hereditary neoplastic syndrome; Neoplastic Syndromes, Hereditary; Tumor predisposition. Identifiers: Orphanet 140162, MedGen C0027672, MeSH D009386, MONDO:0015356.

Allele frequency attached by ClinVar (database versions not stated): gnomAD exomes below 0.00001.
gnomAD v4.1: 3 of 1,611,760 alleles (0.00019%); highest among the groups gnomAD compares: Non-Finnish European, 0.00025%; no homozygotes.

Submission:

Ambry Genetics
Classification: Uncertain significance for Hereditary cancer-predisposing syndrome. Last evaluated: 2022-07-28. Review status: criteria provided, single submitter. Criteria: Ambry Variant Classification Scheme 2023. Collection method: clinical testing. Allele origin: germline.
Comment: The p.A1436S variant (also known as c.4306G>T), located in coding exon 22 of the DICER1 gene, results from a G to T substitution at nucleotide position 4306. The alanine at codon 1436 is replaced by serine, an amino acid with similar properties. This amino acid position is conserved. In addition, this alteration is predicted to be tolerated by in silico analysis. Since supporting evidence is limited at this time, the clinical significance of this alteration remains unclear.